The following is an entry in ClinVar:

ClinVar aggregate classification (germline): Pathogenic/Likely pathogenic. Review status: criteria provided, multiple submitters, no conflicts (2 of 4 stars). 4 submissions from 4 submitters: Pathogenic (2); Likely pathogenic (1). 1 of the submissions does not count toward it. Last evaluated 2023-09-10.

Conditions:
Epidermolysis bullosa, junctional 3A, intermediate. Also called: EPIDERMOLYSIS BULLOSA, JUNCTIONAL 3A, GENERALIZED INTERMEDIATE; EPIDERMOLYSIS BULLOSA, JUNCTIONAL 3A, NON-HERLITZ TYPE. Identifiers: MedGen C5676938, MONDO:0030748, OMIM 619785.
Junctional epidermolysis bullosa. Identifiers: Orphanet 305, MedGen C0079301, MONDO:0017612.

Allele frequency attached by ClinVar (database versions not stated): gnomAD exomes 0.00001; TOPMed 0.00001; gnomAD 0.00002.
gnomAD v4.1: 11 of 1,613,996 alleles (0.00068%); highest among the groups gnomAD compares: African/African-American, 0.0013%; no homozygotes.

Submissions (4):

Labcorp Genetics (formerly Invitae), Labcorp
Classification: Pathogenic. Last evaluated: 2023-09-10. Review status: criteria provided, single submitter. Criteria: Invitae Variant Classification Sherloc (09022015). Collection method: clinical testing. Allele origin: germline.
Comment: ClinVar contains an entry for this variant (Variation ID: 14559). For these reasons, this variant has been classified as Pathogenic. Algorithms developed to predict the effect of sequence changes on RNA splicing suggest that this variant may disrupt the consensus splice site. This premature translational stop signal has been observed in individuals with junctional epidermolysis bullosa (PMID: 11810295, 28830826). This variant is present in population databases (rs118203901, gnomAD 0.007%). This sequence change creates a premature translational stop signal (p.Arg245*) in the LAMC2 gene. It is expected to result in an absent or disrupted protein product. Loss-of-function variants in LAMC2 are known to be pathogenic (PMID: 11907499, 16473856).

Women's Health and Genetics/Laboratory Corporation of America, LabCorp
Classification: Pathogenic for Junctional epidermolysis bullosa. Last evaluated: 2020-06-19. Review status: criteria provided, single submitter. Criteria: LabCorp Variant Classification Summary - May 2015. Collection method: clinical testing. Allele origin: germline.
Comment: Variant summary: LAMC2 c.733C>T (p.Arg245X) results in a premature termination codon, predicted to cause a truncation of the encoded protein or absence of the protein due to nonsense mediated decay, which are commonly known mechanisms for disease. Truncations downstream of this position have been classified as pathogenic by our laboratory. At least one publication reports experimental evidence that skipping of exon 6, bearing this variant resulting in two other in-frame transcripts, namely deletion of exon 6 and deletion of exons 4-7. The resulting alternatively spliced polypeptides confer partial functionality to laminin 5, thus explaining the milder, nonlethal phenotype in non-Herlitz variants of JEB (Nakano_2002). The variant was absent in 251490 control chromosomes. c.733C>T has been reported in the literature in individuals affected with non-Herlitz and generalized intermediate forms of Junctional Epidermolysis Bullosa with subsequent citations by others (example, Nakano_2002, Vahidnezhad_2017, Varki_2006). These data indicate that the variant is likely to be associated with disease. At least one publication reports experimental evidence demonstrating reduced or attenuated laminin 5 protein expression by immunofluorescence staining (Nakano_2002). Two clinical diagnostic laboratories have submitted clinical-significance assessments for this variant to ClinVar after 2014 without evidence for independent evaluation. All laboratories classified the variant as pathogenic (n=1)/likely pathogenic (n=1). Based on the evidence outlined above, the variant was classified as pathogenic.

Illumina Laboratory Services, Illumina
Classification: Likely pathogenic for Epidermolysis bullosa, junctional. Last evaluated: 2018-08-15. Review status: criteria provided, single submitter. Criteria: ICSL Variant Classification Criteria 09 May 2019. Collection method: clinical testing. Allele origin: germline.
Comment: The LAMC2 c.733C>T (p.Arg245Ter) variant is a stop-gained variant predicted to result in premature termination of the protein. The p.Arg245Ter variant was absent from 50 healthy controls and is reported at a frequency of 0.000067 in the European American population in the Genome Aggregation Database, but this is based on one allele in a region of good sequencing coverage so the variant is presumed to be rare. Nakano et al. (2002) performed agarose gel electrophoresis of PCR products obtained from keratinocytes from the patient with the non-Herlitz type JEB, which showed a banding pattern that was determined to be alternately spliced mRNAs that contained deletions but maintained the reading frame from the short arm of the laminin Î³2 polypeptide chain. The authors suggest that the alternative splicing results in a partially functioning protein that could counteract the lethal phenotype that would be expected from the p.Arg245Ter variant. Based on the evidence, the p.Arg245Ter variant is classified as likely pathogenic for junctional epidermolysis bullosa. This variant was observed by ICSL as part of a predisposition screen in an ostensibly healthy population.

OMIM
Classification: Pathogenic for EPIDERMOLYSIS BULLOSA, JUNCTIONAL 3A, INTERMEDIATE. Last evaluated: 2002-01-01. Review status: no assertion criteria provided. Collection method: literature only. Allele origin: germline. Not counted in ClinVar's aggregate classification.

Literature cited by the submitters: PubMed 11810295 (cited by 4 submitters); PubMed 28830826 (cited by Labcorp Genetics (formerly Invitae), Labcorp and Women's Health and Genetics/Laboratory Corporation of America, LabCorp); PubMed 11907499 (cited by Labcorp Genetics (formerly Invitae), Labcorp); PubMed 16473856 (cited by 3 submitters); PubMed 15538630 (cited by Women's Health and Genetics/Laboratory Corporation of America, LabCorp).

NM_005562.3(LAMC2):c.733C>T (p.Arg245Ter)

Gene: LAMC2 (laminin subunit gamma 2; plus strand). Cytogenetic location: 1q25.3.
Variant type: single nucleotide variant.
Coding change: c.733C>T on transcript NM_005562.3 (MANE Select); coding-DNA position 733, C replaced by T.
Protein change: p.Arg245Ter; replaces arginine 245 with a stop codon.
Molecular consequence: nonsense.
Genome position (GRCh38, 1-based): chr1:183,222,181, C>T. VCF-style: chr1-183222181-C-T. GRCh37 (hg19) VCF-style: chr1-183191316-C-T.
Other names: c.733C>T, p.Arg245Ter (NM_018891.3); short protein forms R245*.
Identifiers: ClinVar variation 14559 (VCV000014559.18), dbSNP rs118203901, ClinGen allele CA257293.